The following is an entry in ClinVar:

ClinVar aggregate classification (germline): Uncertain significance (1 of 4 stars; one submission).

gnomAD v4.1: 2 of 1,614,008 alleles (0.00012%); highest among the groups gnomAD compares: Non-Finnish European, 0.00017%; no homozygotes.

Submission:

GeneDx
Classification: Uncertain significance. Last evaluated: 2025-07-26. Review status: criteria provided, single submitter. Criteria: GeneDx Variant Classification Process June 2021. Collection method: clinical testing. Allele origin: germline. Affected: yes.
Comment: Not observed at significant frequency in large population cohorts (gnomAD); In silico analysis supports that this missense variant has a deleterious effect on protein structure/function; Has not been previously published as pathogenic or benign to our knowledge

NM_018206.6(VPS35):c.1099G>A (p.Asp367Asn)

Gene: VPS35 (VPS35 retromer complex component; minus strand). Cytogenetic location: 16q11.2.
Variant type: single nucleotide variant.
Coding change: c.1099G>A on transcript NM_018206.6 (MANE Select); coding-DNA position 1099, G replaced by A.
Protein change: p.Asp367Asn; replaces aspartic acid 367 with asparagine.
Molecular consequence: missense variant.
Genome position (GRCh38, 1-based): chr16:46,674,375, C>T on the plus strand (G>A on the coding strand, the complement: VPS35 is on the minus strand). VCF-style: chr16-46674375-C-T. GRCh37 (hg19) VCF-style: chr16-46708287-C-T.
Other names: short protein forms D367N.
Identifiers: ClinVar variation 4687061 (VCV004687061.1).
Genomic context (GRCh38, chr16:46,674,375, plus strand): 5'-GTTCAAGGTTGAGCTTATTGAATATCTCCACTGTTGTTTCTAGAACTTTATCAACATAGT[C>T]CACACGATCAGGGTAACATTTCATGGCAAGATTAATCAGAGAGACTTGTAAAGATACAAC-3'
Protein context (NP_060676.2, residues 357-377): LAMKCYPDRV[Asp367Asn]YVDKVLETTV